The following is an entry in ClinVar:

ClinVar aggregate classification (germline): Likely benign. Review status: criteria provided, multiple submitters, no conflicts (2 of 4 stars). 3 submissions from 3 submitters: Likely benign (3). Last evaluated 2025-05-11.

Conditions:
Hereditary cancer-predisposing syndrome. Also called: Neoplastic Syndromes, Hereditary; Tumor predisposition; Hereditary neoplastic syndrome; Hereditary Cancer Syndrome. Identifiers: Orphanet 140162, MedGen C0027672, MeSH D009386, MONDO:0015356.
Hereditary nonpolyposis colorectal neoplasms. Identifiers: MedGen C0009405, MeSH D003123.
Lynch syndrome 4 (LYNCH4). Also called: Colorectal cancer, hereditary nonpolyposis, type 4; Hereditary non-polyposis colorectal cancer, type 4. Identifiers: Orphanet 144, MedGen C1838333, MONDO:0013699, OMIM 614337. Disease mechanism: loss of function.

Allele frequency attached by ClinVar (database versions not stated): gnomAD exomes below 0.00001; TOPMed below 0.00001.
gnomAD v4.1: 3 of 1,534,222 alleles (0.0002%); highest among the groups gnomAD compares: South Asian, 0.0022%; no homozygotes.

Submissions (3):

Labcorp Genetics (formerly Invitae), Labcorp
Classification: Likely benign for Hereditary nonpolyposis colorectal neoplasms. Last evaluated: 2025-05-11. Review status: criteria provided, single submitter. Criteria: Invitae Variant Classification Sherloc (09022015). Collection method: clinical testing. Allele origin: germline.

Myriad Genetics, Inc.
Classification: Likely benign for Lynch syndrome 4. Last evaluated: 2025-01-28. Review status: criteria provided, single submitter. Criteria: Myriad Autosomal Dominant, Autosomal Recessive and X-Linked Classification Criteria (2023). Collection method: clinical testing. Allele origin: unknown.
Comment: This variant is considered likely benign. This variant is intronic and is not expected to impact mRNA splicing.

Color Diagnostics, LLC DBA Color Health
Classification: Likely benign for Hereditary cancer-predisposing syndrome. Last evaluated: 2018-07-03. Review status: criteria provided, single submitter. Criteria: ACMG Guidelines, 2015. Collection method: clinical testing. Allele origin: germline.

NM_000535.7(PMS2):c.804-16T>C

Gene: PMS2 (PMS1 homolog 2, mismatch repair system component; minus strand). Cytogenetic location: 7p22.1.
Variant type: single nucleotide variant.
Coding change: c.804-16T>C on transcript NM_000535.7 (MANE Select); 16 bases into the intron before coding-DNA position 804, T replaced by C.
Molecular consequence: intron variant.
Genome position (GRCh38, 1-based): chr7:5,995,649, A>G on the plus strand (T>C on the coding strand, the complement: PMS2 is on the minus strand). VCF-style: chr7-5995649-A-G. GRCh37 (hg19) VCF-style: chr7-6035280-A-G.
Other names: c.486-16T>C (NM_001322008.2, NM_001322007.2); c.399-16T>C (NM_001322010.2, NM_001322004.2, NM_001322003.2 and 2 more transcripts); c.231-16T>C (NM_001322013.2); c.-130-16T>C (NM_001322012.2, NM_001322011.2); c.495-16T>C (NM_001322015.2); c.804-16T>C (NM_001322006.2, NM_001322014.2).
Identifiers: ClinVar variation 628787 (VCV000628787.11), dbSNP rs1264781818, ClinGen allele CA572547856.